The following is an entry in ClinVar:

ClinVar aggregate classification (germline): Benign (1 of 4 stars; one submission).

Allele frequency attached by ClinVar (database versions not stated): TOPMed 0.21003; 1000 Genomes Project 30x 0.17552; 1000 Genomes Project 0.17652; gnomAD 0.20522 and 0.20665.

Submission:

GeneDx
Classification: Benign. Last evaluated: 2019-01-11. Review status: criteria provided, single submitter. Criteria: GeneDx Variant Classification Process June 2021. Collection method: clinical testing. Allele origin: germline. Affected: yes.
Comment: This variant is associated with the following publications: (PMID: 23284286)

NM_003722.5(TP63):c.325-20764_325-20753del

Genes: TP63 (tumor protein p63; plus strand), LOC111162621 (DeltaNp63 promoter of tumor protein p63; plus strand). Cytogenetic location: 3q28.
Variant type: Deletion.
Coding change: c.325-20764_325-20753del on transcript NM_003722.5 (MANE Select); 20764 bases into the intron before coding-DNA position 325 through 20753 bases into the intron before coding-DNA position 325, 12 bases deleted (TCCAGAATCTTT).
Molecular consequence: intron variant.
Genome position (GRCh38, 1-based): chr3:189,787,508-189,787,519, TCCAGAATCTTT deleted. VCF-style (leftmost placement, unchanged base first): chr3-189787507-GTCCAGAATCTTT-G. GRCh37 (hg19) VCF-style: chr3-189505296-GTCCAGAATCTTT-G.
Other names: c.319-20764_319-20753del (NM_001329964.2); c.325-20764_325-20753del (NM_001114978.2, NM_001329144.2, NM_001329148.2 and 1 more transcripts).
Identifiers: ClinVar variation 1181950 (VCV001181950.2), dbSNP rs6148242, ClinGen allele CA89705187.